The following is an entry in ClinVar:

NM_000548.5(TSC2):c.5275G>A (p.Ala1759Thr)

Gene: TSC2 (TSC complex subunit 2; plus strand). Cytogenetic location: 16p13.3.
Variant type: single nucleotide variant.
Coding change: c.5275G>A on transcript NM_000548.5 (MANE Select); coding-DNA position 5275, G replaced by A.
Protein change: p.Ala1759Thr; replaces alanine 1759 with threonine.
Molecular consequence: missense variant.
Genome position (GRCh38, 1-based): chr16:2,088,461, G>A. VCF-style: chr16-2088461-G-A. GRCh37 (hg19) VCF-style: chr16-2138462-G-A.
Other names: p.A1759T:GCC>ACC; c.5074G>A, p.Ala1692Thr (NM_001077183.3); c.5206G>A, p.Ala1736Thr (NM_001114382.3); c.4966G>A, p.Ala1656Thr (NM_001318827.2); c.4930G>A, p.Ala1644Thr (NM_001318829.2); c.4543G>A, p.Ala1515Thr (NM_001318831.2); c.5107G>A, p.Ala1703Thr (NM_001318832.2); c.5077G>A, p.Ala1693Thr (NM_001363528.2); and 4 more; short protein forms A1759T, A1656T, A1715T, A1716T, A1692T, A1703T, A1712T, A1515T.
Identifiers: ClinVar variation 184396 (VCV000184396.62), dbSNP rs758450326, ClinGen allele CA022355.

ClinVar aggregate classification (germline): Benign/Likely benign. Review status: criteria provided, multiple submitters, no conflicts (2 of 4 stars). 10 submissions from 10 submitters: Benign (2); Likely benign (7). 1 of the submissions does not count toward it. Last evaluated 2026-01-21.

Conditions:
TSC2-related disorder. Also called: TSC2-related condition; TSC2-Related Disorders.
Hereditary cancer-predisposing syndrome. Also called: Tumor predisposition; Neoplastic Syndromes, Hereditary; Hereditary neoplastic syndrome; Hereditary Cancer Syndrome. Identifiers: Orphanet 140162, MedGen C0027672, MeSH D009386, MONDO:0015356.
Tuberous sclerosis syndrome (TSC). Also called: Tuberous Sclerosis Complex; Tuberous sclerosis. Identifiers: Orphanet 805, MedGen C0041341, MONDO:0001734.
Tuberous sclerosis 2 (TSC2). Identifiers: Orphanet 805, MedGen C1860707, MONDO:0013199, OMIM 613254.

Allele frequency attached by ClinVar (database versions not stated): gnomAD 0.00002 and 0.00003; TOPMed 0.00003; ExAC 0.00005; gnomAD exomes 0.00006.
gnomAD v4.1: 64 of 1,612,640 alleles (0.004%); highest among the groups gnomAD compares: South Asian, 0.018%; no homozygotes.

Submissions (10):

Labcorp Genetics (formerly Invitae), Labcorp
Classification: Benign for Tuberous sclerosis 2. Last evaluated: 2026-01-21. Review status: criteria provided, single submitter. Criteria: Invitae Variant Classification Sherloc (09022015). Collection method: clinical testing. Allele origin: germline.

Blueprint Genetics
Classification: Likely benign. Last evaluated: 2024-10-18. Review status: criteria provided, single submitter. Criteria: ACMG Guidelines, 2015. Collection method: clinical testing. Allele origin: germline.

Myriad Genetics, Inc.
Classification: Likely benign for Tuberous sclerosis 2. Last evaluated: 2024-08-23. Review status: criteria provided, single submitter. Criteria: Myriad Autosomal Dominant, Autosomal Recessive and X-Linked Classification Criteria (2023). Collection method: clinical testing. Allele origin: unknown.
Comment: This variant is considered likely benign. This variant has been observed at a population frequency that is significantly greater than expected given the associated disease prevalence and penetrance.

Color Diagnostics, LLC DBA Color Health
Classification: Likely benign for Tuberous sclerosis syndrome. Last evaluated: 2023-01-09. Review status: criteria provided, single submitter. Criteria: ACMG Guidelines, 2015. Collection method: clinical testing. Allele origin: germline.

Genome-Nilou Lab
Classification: Benign for Tuberous sclerosis 2. Last evaluated: 2021-11-07. Review status: criteria provided, single submitter. Criteria: ACMG Guidelines, 2015. Collection method: clinical testing. Allele origin: germline. Affected: no.

Sema4
Classification: Likely benign for Hereditary cancer-predisposing syndrome. Last evaluated: 2021-04-04. Review status: criteria provided, single submitter. Criteria: Sema4 Curation Guidelines. Collection method: curation. Allele origin: germline.

GeneDx
Classification: Likely benign. Last evaluated: 2020-03-07. Review status: criteria provided, single submitter. Criteria: GeneDx Variant Classification Process June 2021. Collection method: clinical testing. Allele origin: germline. Affected: yes.
Comment: This variant is associated with the following publications: (PMID: 28301460)

Ambry Genetics
Classification: Likely benign for Hereditary cancer-predisposing syndrome. Last evaluated: 2018-08-27. Review status: criteria provided, single submitter. Criteria: Ambry Variant Classification Scheme 2023. Collection method: clinical testing. Allele origin: germline.

Breakthrough Genomics
Classification: Likely benign. Review status: criteria provided, single submitter. Criteria: ACMG Guidelines, 2015. Collection method: not provided. Allele origin: germline. Inheritance: Autosomal dominant inheritance. Affected: yes.

PreventionGenetics, part of Exact Sciences
Classification: Likely benign for TSC2-related condition. Last evaluated: 2021-06-07. Review status: no assertion criteria provided. Collection method: clinical testing. Allele origin: germline. Not counted in ClinVar's aggregate classification.
Comment: This variant is classified as likely benign based on ACMG/AMP sequence variant interpretation guidelines (Richards et al. 2015 PMID: 25741868, with internal and published modifications).